The following is an entry in ClinVar:

ClinVar aggregate classification (germline): Pathogenic/Likely pathogenic. Review status: criteria provided, multiple submitters, no conflicts (2 of 4 stars). 7 submissions from 7 submitters: Pathogenic (5); Likely pathogenic (2). Last evaluated 2025-07-10.

Conditions:
Severe early-childhood-onset retinal dystrophy (STGD1). Also called: Stargardt macular dystrophy; Juvenile onset macular degeneration; Stargardt disease 1; STGD; MACULAR DYSTROPHY WITH FLECKS, TYPE 1. Identifiers: Orphanet 364055, Orphanet 827, MedGen C1855465, MeSH D000080362, MONDO:0009549, OMIM 248200.
Retinitis pigmentosa 19 (RP19). Also called: ABCA4-Related Retinitis Pigmentosa. Identifiers: Orphanet 791, MedGen C1866422, MONDO:0011137, OMIM 601718.
Cone-rod dystrophy 3 (CORD3). Identifiers: Orphanet 1872, MedGen C1858806, MONDO:0011395, OMIM 604116.
ABCA4-related disorder. Also called: ABCA4-related disorders; ABCA4-related condition. Identifiers: MedGen CN239167.
Age related macular degeneration 2. Also called: MACULAR DEGENERATION, SENILE; MACULOPATHY, AGE-RELATED, 2; MACULOPATHY, AGE-RELATED. Identifiers: MedGen C3495438, MONDO:0007932, OMIM 153800.

Allele frequency attached by ClinVar (database versions not stated): gnomAD exomes below 0.00001 and 0.00001; TOPMed 0.00001; ExAC 0.00003.
gnomAD v4.1: 2 of 1,613,480 alleles (0.00012%); highest among the groups gnomAD compares: East Asian, 0.0045%; no homozygotes.

Submissions (7):

3billion
Classification: Pathogenic for Severe early-childhood-onset retinal dystrophy. Last evaluated: 2025-07-10. Review status: criteria provided, single submitter. Criteria: ACMG Guidelines, 2015. Collection method: clinical testing. Allele origin: germline. Affected: yes.
Comment: The variant is observed at an extremely low frequency in the gnomAD v4.1.0 dataset (total allele frequency: <0.001%). Predicted Consequence/Location: Canonical splice site: predicted to alter splicing and result in a loss or disruption of normal protein function. Multiple pathogenic loss-of-function variants are reported downstream of the variant. In silico tools predict the variant to alter splicing and produce an abnormal transcript [SpliceAI: 0.98 (spliceogenicity >=0.2, non-spliceogenicity <0.1)]. The variant has been reported at least twice as pathogenic without evidence for the classification (ClinVar ID: VCV001073468 /PMID: 26780318). Therefore, this variant is classified as Pathogenic according to the recommendation of ACMG/AMP guideline.

Labcorp Genetics (formerly Invitae), Labcorp
Classification: Pathogenic. Last evaluated: 2025-01-13. Review status: criteria provided, single submitter. Criteria: Invitae Variant Classification Sherloc (09022015). Collection method: clinical testing. Allele origin: germline.
Comment: This sequence change affects an acceptor splice site in intron 12 of the ABCA4 gene. It is expected to disrupt RNA splicing. Variants that disrupt the donor or acceptor splice site typically lead to a loss of protein function (PMID: 16199547), and loss-of-function variants in ABCA4 are known to be pathogenic (PMID: 10958761, 24938718, 25312043, 26780318). The frequency data for this variant in the population databases is considered unreliable, as metrics indicate poor data quality at this position in the gnomAD database. Disruption of this splice site has been observed in individual(s) with cone-rod dystrophy (PMID: 26780318). In at least one individual the data is consistent with being in trans (on the opposite chromosome) from a pathogenic variant. ClinVar contains an entry for this variant (Variation ID: 1073468). Algorithms developed to predict the effect of sequence changes on RNA splicing suggest that this variant may disrupt the consensus splice site. For these reasons, this variant has been classified as Pathogenic.

Fulgent Genetics
Classification: Likely pathogenic for Age related macular degeneration 2; Severe early-childhood-onset retinal dystrophy; Retinitis pigmentosa 19; Cone-rod dystrophy 3. Last evaluated: 2024-03-16. Review status: criteria provided, single submitter. Criteria: ACMG Guidelines, 2015. Collection method: clinical testing. Allele origin: germline.

Department of Pathology and Laboratory Medicine, Sinai Health System
Classification: Pathogenic for Cone-rod dystrophy 3; Severe early-childhood-onset retinal dystrophy; Retinitis pigmentosa 19. Last evaluated: 2023-09-29. Review status: criteria provided, single submitter. Criteria: ACMG Guidelines, 2015. Collection method: research. Allele origin: germline.

Molecular Genetics, Royal Melbourne Hospital
Classification: Likely pathogenic for Severe early-childhood-onset retinal dystrophy. Last evaluated: 2023-03-30. Review status: criteria provided, single submitter. Criteria: ACMG Guidelines, 2015. Collection method: clinical testing. Allele origin: germline. Affected: yes.
Comment: This sequence change affects an acceptor splice site in intron 13 of ABCA4. It is expected to disrupt RNA splicing and likely results in exon 13 skipping, which would likely disrupt the protein product by removing 59 amino acids in the first extracellular domain. Loss of function is a well established mechanism of disease (PVS1_Moderate). The variant is present in a large population cohort at a frequency of 0.0008%, which is consistent with recessive disease (rs754765164, 2/249,438 alleles, 0 homozygotes in gnomAD v2.1.1 - PM2). Based on the classification scheme RMH ACMG Guidelines v1.1.1, this variant is classified as LIKELY PATHOGENIC. Following criteria are met: PVS1_Moderate, PM2, PM3.

Blueprint Genetics
Classification: Pathogenic for ABCA4-related disorders. Last evaluated: 2021-09-18. Review status: criteria provided, single submitter. Criteria: ACMG Guidelines, 2015. Collection method: clinical testing. Allele origin: germline. Affected: yes. Observed: 2 variant alleles.

Juno Genomics, Hangzhou Juno Genomics, Inc
Classification: Pathogenic for Severe early-childhood-onset retinal dystrophy. Review status: criteria provided, single submitter. Criteria: ACMG Guidelines, 2015. Collection method: clinical testing. Allele origin: germline.
Comment: Absent from controls (or at extremely low frequency if recessive) in Genome Aggregation Database.;Null variant in a gene where loss of function (LOF) is a known mechanism of disease.;For recessive disorders, detected in trans with a pathogenic variant.;Patient's phenotype or family history is highly specific for a disease with a single genetic etiology.

Literature cited by the submitters: PubMed 26780318 (cited by 3billion and Labcorp Genetics (formerly Invitae), Labcorp); PubMed 16199547 (cited by Labcorp Genetics (formerly Invitae), Labcorp); PubMed 10958761 (cited by Labcorp Genetics (formerly Invitae), Labcorp); PubMed 24938718 (cited by Labcorp Genetics (formerly Invitae), Labcorp); PubMed 25312043 (cited by Labcorp Genetics (formerly Invitae), Labcorp).

NM_000350.3(ABCA4):c.1761-2A>G

Gene: ABCA4 (ATP binding cassette subfamily A member 4; minus strand). Cytogenetic location: 1p22.1.
Variant type: single nucleotide variant.
Coding change: c.1761-2A>G on transcript NM_000350.3 (MANE Select); the canonical splice acceptor site of the intron before coding-DNA position 1761, A replaced by G.
Molecular consequence: splice acceptor variant.
Genome position (GRCh38, 1-based): chr1:94,062,755, T>C on the plus strand (A>G on the coding strand, the complement: ABCA4 is on the minus strand). VCF-style: chr1-94062755-T-C. GRCh37 (hg19) VCF-style: chr1-94528311-T-C.
Identifiers: ClinVar variation 1073468 (VCV001073468.17), dbSNP rs754765164, ClinGen allele CA958426.
Genomic context (GRCh38, chr1:94,062,755, plus strand): 5'-CGCCCCAGATGTACCGGAAATCTTCCACGGGATCAGCTCTGGGACCAGAATCCCAATACC[T>C]GAGAAGACACAGAGGGACAAAGGATGGGAACGGGCTTGGATAGCTCACTCACACCTCCCG-3'